The following is an entry in ClinVar:

NM_001039141.3(TRIOBP):c.4919A>G (p.Asn1640Ser)

Gene: TRIOBP (TRIO and F-actin binding protein; plus strand). Cytogenetic location: 22q13.1.
Variant type: single nucleotide variant.
Coding change: c.4919A>G on transcript NM_001039141.3 (MANE Select); coding-DNA position 4919, A replaced by G.
Protein change: p.Asn1640Ser; replaces asparagine 1640 with serine.
Molecular consequence: missense variant.
Genome position (GRCh38, 1-based): chr22:37,735,255, A>G. VCF-style: chr22-37735255-A-G. GRCh37 (hg19) VCF-style: chr22-38131262-A-G.
Other names: short protein forms N1640S.
Identifiers: ClinVar variation 4999575 (VCV004999575.1).
Genomic context (GRCh38, chr22:37,735,255, plus strand): 5'-ATGTCCCTGAGCAGGAGTCACACAGCCAGCCAGAAGGCTGGGCCGAGGCCACCCCAGTCA[A>G]TGGACACAGCCCCGCACTGCAGTCCCAGAGCCCGGTCCAGCTGCCCAGCCCTGCCTGCAC-3'
Protein context (NP_001034230.1, residues 1630-1650): PEGWAEATPV[Asn1640Ser]GHSPALQSQS

ClinVar aggregate classification (germline): Uncertain significance (1 of 4 stars; one submission).

Conditions:
TRIOBP-related disorder. Also called: TRIOBP-related condition.

gnomAD v4.1: 17 of 1,604,040 alleles (0.0011%); highest among the groups gnomAD compares: East Asian, 0.022%; no homozygotes.

Submission:

PreventionGenetics, part of Exact Sciences
Classification: Uncertain significance for TRIOBP-related condition. Last evaluated: 2026-03-25. Review status: criteria provided, single submitter. Criteria: ACMG Guidelines, 2015. Collection method: clinical testing. Allele origin: germline.
Comment: The TRIOBP c.4919A>G variant is predicted to result in the amino acid substitution p.Asn1640Ser. This variant was reported along with a second likely causative variant in an individual with hearing loss (Wang et al. 2021. PubMed ID: 33597575). This variant is reported in 0.031% of alleles in individuals of East Asian descent in gnomAD. At this time, the clinical significance of this variant is uncertain due to the absence of conclusive functional and genetic evidence.